The following is an entry in ClinVar:

ClinVar aggregate classification (germline): Uncertain significance (1 of 4 stars; one submission).

Submission:

Labcorp Genetics (formerly Invitae), Labcorp
Classification: Uncertain significance. Last evaluated: 2022-05-03. Review status: criteria provided, single submitter. Criteria: Invitae Variant Classification Sherloc (09022015). Collection method: clinical testing. Allele origin: germline.
Comment: This sequence change replaces phenylalanine, which is neutral and non-polar, with isoleucine, which is neutral and non-polar, at codon 145 of the TPI1 protein (p.Phe145Ile). This variant is not present in population databases (gnomAD no frequency). This variant has not been reported in the literature in individuals affected with TPI1-related conditions. Algorithms developed to predict the effect of missense changes on protein structure and function are either unavailable or do not agree on the potential impact of this missense change (SIFT: "Tolerated"; PolyPhen-2: "Probably Damaging"; Align-GVGD: "Class C0"). Algorithms developed to predict the effect of sequence changes on RNA splicing suggest that this variant may create or strengthen a splice site. In summary, the available evidence is currently insufficient to determine the role of this variant in disease. Therefore, it has been classified as a Variant of Uncertain Significance.

NM_000365.6(TPI1):c.433T>A (p.Phe145Ile)

Gene: TPI1 (triosephosphate isomerase 1; plus strand). Cytogenetic location: 12p13.31.
Variant type: single nucleotide variant.
Coding change: c.433T>A on transcript NM_000365.6 (MANE Select); coding-DNA position 433, T replaced by A.
Protein change: p.Phe145Ile; replaces phenylalanine 145 with isoleucine.
Molecular consequence: missense variant.
Genome position (GRCh38, 1-based): chr12:6,869,366, T>A. VCF-style: chr12-6869366-T-A. GRCh37 (hg19) VCF-style: chr12-6978530-T-A.
Other names: c.544T>A, p.Phe182Ile (NM_001159287.1); c.187T>A, p.Phe63Ile (NM_001258026.2); short protein forms F145I, F63I, F182I.
Identifiers: ClinVar variation 2132782 (VCV002132782.4), dbSNP rs2542450676, ClinGen allele CA383711879.